The following is an entry in ClinVar:

ClinVar aggregate classification (germline): Benign/Likely benign. Review status: criteria provided, multiple submitters, no conflicts (2 of 4 stars). 2 submissions from 2 submitters: Benign (1); Likely benign (1). Last evaluated 2024-09-19.

Conditions:
Hereditary cancer-predisposing syndrome. Also called: Tumor predisposition; Neoplastic Syndromes, Hereditary; Hereditary Cancer Syndrome; Hereditary neoplastic syndrome. Identifiers: Orphanet 140162, MedGen C0027672, MeSH D009386, MONDO:0015356.
Hereditary diffuse gastric adenocarcinoma (HDGC). Also called: DIFFUSE GASTRIC AND LOBULAR BREAST CANCER SYNDROME. Identifiers: Orphanet 26106, MedGen C1708349, MONDO:0007648, OMIM 137215.

Submissions (2):

Myriad Genetics, Inc.
Classification: Benign for Hereditary diffuse gastric adenocarcinoma. Last evaluated: 2024-09-19. Review status: criteria provided, single submitter. Criteria: Myriad Autosomal Dominant, Autosomal Recessive and X-Linked Classification Criteria (2023). Collection method: clinical testing. Allele origin: unknown.
Comment: This variant is considered benign. This variant is a silent/synonymous amino acid change and it is not expected to impact splicing.

Ambry Genetics
Classification: Likely benign for Hereditary cancer-predisposing syndrome. Last evaluated: 2020-09-25. Review status: criteria provided, single submitter. Criteria: Ambry Variant Classification Scheme 2023. Collection method: clinical testing. Allele origin: germline.

NM_004360.5(CDH1):c.1746G>A (p.Leu582=)

Gene: CDH1 (cadherin 1; plus strand). Cytogenetic location: 16q22.1.
Variant type: single nucleotide variant.
Coding change: c.1746G>A on transcript NM_004360.5 (MANE Select); coding-DNA position 1746, G replaced by A.
Protein change: p.Leu582=; no amino-acid change (leucine 582 retained).
Molecular consequence: synonymous variant. On other transcripts: 5 prime UTR variant (1).
Genome position (GRCh38, 1-based): chr16:68,822,035, G>A. VCF-style: chr16-68822035-G-A. GRCh37 (hg19) VCF-style: chr16-68855938-G-A.
Other names: c.1563G>A, p.Leu521= (NM_001317184.2); c.198G>A, p.Leu66= (NM_001317185.2); c.-220G>A (NM_001317186.2).
Identifiers: ClinVar variation 1779302 (VCV001779302.3), dbSNP rs1961157891, ClinGen allele CA496392524.